The following is an entry in ClinVar:

ClinVar aggregate classification (germline): Uncertain significance. Review status: criteria provided, multiple submitters, no conflicts (2 of 4 stars). 2 submissions from 2 submitters: Uncertain significance (2). Last evaluated 2023-10-20.

Conditions:
Developmental and epileptic encephalopathy. Identifiers: MedGen C5779964, MONDO:0100620.
Inborn genetic diseases. Identifiers: MedGen C0950123, MeSH D030342.

Allele frequency attached by ClinVar (database versions not stated): gnomAD exomes below 0.00001 and 0.00001; ExAC 0.00001; TOPMed 0.00001; ESP Exome Variant Server 0.00008.
gnomAD v4.1: 5 of 1,613,480 alleles (0.00031%); highest among the groups gnomAD compares: Admixed American, 0.0017%; no homozygotes.

Submissions (2):

Ambry Genetics
Classification: Uncertain significance for Inborn genetic diseases. Last evaluated: 2023-10-20. Review status: criteria provided, single submitter. Criteria: Ambry Variant Classification Scheme 2023. Collection method: clinical testing. Allele origin: germline.

Labcorp Genetics (formerly Invitae), Labcorp
Classification: Uncertain significance for Early-infantile DEE. Last evaluated: 2022-06-20. Review status: criteria provided, single submitter. Criteria: Invitae Variant Classification Sherloc (09022015). Collection method: clinical testing. Allele origin: germline.
Comment: This sequence change replaces threonine, which is neutral and polar, with methionine, which is neutral and non-polar, at codon 96 of the ST3GAL3 protein (p.Thr96Met). This variant is present in population databases (rs376537870, gnomAD 0.003%). This variant has not been reported in the literature in individuals affected with ST3GAL3-related conditions. ClinVar contains an entry for this variant (Variation ID: 1007786). Algorithms developed to predict the effect of missense changes on protein structure and function are either unavailable or do not agree on the potential impact of this missense change (SIFT: "Deleterious"; PolyPhen-2: "Possibly Damaging"; Align-GVGD: "Class C0"). In summary, the available evidence is currently insufficient to determine the role of this variant in disease. Therefore, it has been classified as a Variant of Uncertain Significance.

NM_006279.5(ST3GAL3):c.287C>T (p.Thr96Met)

Gene: ST3GAL3 (ST3 beta-galactoside alpha-2,3-sialyltransferase 3; plus strand). Cytogenetic location: 1p34.1.
Variant type: single nucleotide variant.
Coding change: c.287C>T on transcript NM_006279.5 (MANE Select); coding-DNA position 287, C replaced by T.
Protein change: p.Thr96Met; replaces threonine 96 with methionine.
Molecular consequence: missense variant. On other transcripts: 5 prime UTR variant (1), non-coding transcript variant (7), intron variant (2).
Genome position (GRCh38, 1-based): chr1:43,838,296, C>T. VCF-style: chr1-43838296-C-T. GRCh37 (hg19) VCF-style: chr1-44303968-C-T.
Other names: c.287C>T, p.Thr96Met (NM_001270459.2, NM_001350620.2, NM_174966.4 and 1 more transcripts); c.239C>T, p.Thr80Met (NM_001270461.3, NM_001270464.3, NM_001270466.3 and 2 more transcripts); c.284C>T, p.Thr95Met (NM_001270463.3, NM_001270465.3); c.332C>T, p.Thr111Met (NM_001350619.2, NM_174964.4, NM_174965.4); c.-167C>T (NM_001350621.2); c.449C>T, p.Thr150Met (NM_001363573.2, NM_174968.5); c.494C>T, p.Thr165Met (NM_174963.5); c.401C>T, p.Thr134Met (NM_174971.5); and 3 more; short protein forms T111M, T134M, T150M, T165M, T80M, T95M, T96M.
Identifiers: ClinVar variation 1007786 (VCV001007786.7), dbSNP rs376537870, ClinGen allele CA814607.